The following is an entry in ClinVar:

ClinVar aggregate classification (germline): Conflicting classifications of pathogenicity. Review status: criteria provided, conflicting classifications (1 of 4 stars). 9 submissions from 9 submitters: Uncertain significance (3); Benign (1); Likely benign (3). 2 of the submissions do not count toward it. Last evaluated 2026-01-28.

Conditions:
Fanconi anemia (FA). Also called: Fanconi's anemia. Identifiers: Orphanet 84, MedGen C0015625, MeSH D005199, MONDO:0019391.
FANCD2-related disorder. Also called: FANCD2-related condition.
Fanconi anemia complementation group A (FANCA). Also called: Fanconi anemia, group A; FANCA-Related Fanconi Anemia. Identifiers: Orphanet 84, MedGen C3469521, MONDO:0009215, OMIM 227650.
Fanconi anemia complementation group D2. Also called: FANCD2-Related Fanconi Anemia; FANCONI PANCYTOPENIA, TYPE 4; FANCONI ANEMIA, COMPLEMENTATION GROUP D. Identifiers: Orphanet 84, MedGen C3160738, MONDO:0009214, OMIM 227646.

Allele frequency attached by ClinVar (database versions not stated): gnomAD exomes 0.00021 and 0.00041; ESP Exome Variant Server 0.00023; ExAC 0.00035; 1000 Genomes Project 0.00040; gnomAD 0.00041 and 0.00045; TOPMed 0.00044; 1000 Genomes Project 30x 0.00062.
gnomAD v4.1: 393 of 1,588,208 alleles (0.025%); highest among the groups gnomAD compares: Middle Eastern, 0.067%; 2 homozygotes.

Submissions (9):

Labcorp Genetics (formerly Invitae), Labcorp
Classification: Benign for Fanconi anemia. Last evaluated: 2026-01-28. Review status: criteria provided, single submitter. Criteria: Invitae Variant Classification Sherloc (09022015). Collection method: clinical testing. Allele origin: germline.

Blueprint Genetics
Classification: Likely benign. Last evaluated: 2024-11-22. Review status: criteria provided, single submitter. Criteria: ACMG Guidelines, 2015. Collection method: clinical testing. Allele origin: germline.

GeneDx
Classification: Uncertain significance. Last evaluated: 2024-04-06. Review status: criteria provided, single submitter. Criteria: GeneDx Variant Classification Process June 2021. Collection method: clinical testing. Allele origin: germline. Affected: yes.
Comment: In silico analysis supports that this missense variant has a deleterious effect on protein structure/function; Has not been previously published as pathogenic or benign to our knowledge

Sema4
Classification: Likely benign for Fanconi anemia. Last evaluated: 2021-06-19. Review status: criteria provided, single submitter. Criteria: Sema4 Curation Guidelines. Collection method: curation. Allele origin: germline.

CeGaT Center for Human Genetics Tuebingen
Classification: Uncertain significance. Last evaluated: 2021-06-01. Review status: criteria provided, single submitter. Criteria: CeGaT Center For Human Genetics Tuebingen Variant Classification Criteria Version 2. Collection method: clinical testing. Allele origin: germline. Affected: yes. Observed: 1 variant allele.

Mendelics
Classification: Likely benign for Fanconi anemia complementation group A. Last evaluated: 2019-05-28. Review status: criteria provided, single submitter. Criteria: Mendelics Assertion Criteria 2017. Collection method: clinical testing. Allele origin: unknown.

Illumina Laboratory Services, Illumina
Classification: Uncertain significance for Fanconi anemia complementation group D2. Last evaluated: 2017-04-27. Review status: criteria provided, single submitter. Criteria: ICSL Variant Classification Criteria 13 December 2019. Collection method: clinical testing. Allele origin: germline.

PreventionGenetics, part of Exact Sciences
Classification: Likely benign for FANCD2-related condition. Last evaluated: 2023-08-04. Review status: no assertion criteria provided. Collection method: clinical testing. Allele origin: germline. Not counted in ClinVar's aggregate classification.
Comment: This variant is classified as likely benign based on ACMG/AMP sequence variant interpretation guidelines (Richards et al. 2015 PMID: 25741868, with internal and published modifications).

Genetic Services Laboratory, University of Chicago
Classification: Uncertain significance. Last evaluated: 2022-06-01. Review status: no assertion criteria provided. Collection method: clinical testing. Allele origin: germline. Affected: no. Not counted in ClinVar's aggregate classification.
Comment: DNA sequence analysis of the FANCD2 gene demonstrated a sequence change, c.182C>T, in exon 3 that results in an amino acid change, p.Thr61Met. This sequence change does not appear to have been previously described in individuals with FANCD2-related disorders. This sequence change has been described in the gnomAD database with a frequency of 0.4% in the Ashkenazi Jewish subpopulation (dbSNP rs35110529). The p.Thr61Met change affects a poorly conserved amino acid residue located in a domain of the FANCD2 protein that is not known to be functional. The p.Thr61Met substitution appears to be benign using several in-silico pathogenicity prediction tools (SIFT, PolyPhen2, Align GVGD, REVEL). Due to insufficient evidences and the lack of functional studies, the clinical significance of the p.Thr61Met change remains unknown at this time.

NM_001018115.3(FANCD2):c.182C>T (p.Thr61Met)

Genes: FANCD2 (FA complementation group D2; plus strand), LOC107303338 (3p25 FANCD2 Alu-mediated recombination region; plus strand). Cytogenetic location: 3p25.3.
Variant type: single nucleotide variant.
Coding change: c.182C>T on transcript NM_001018115.3 (MANE Select); coding-DNA position 182, C replaced by T.
Protein change: p.Thr61Met; replaces threonine 61 with methionine.
Molecular consequence: missense variant.
Genome position (GRCh38, 1-based): chr3:10,032,949, C>T. VCF-style: chr3-10032949-C-T. GRCh37 (hg19) VCF-style: chr3-10074633-C-T.
Other names: c.182C>T, p.Thr61Met (NM_001319984.2, NM_001374253.1, NM_001374254.1 and 2 more transcripts); c.182C>T (NM_033084.4, NM_001018115.2); short protein forms T61M.
Identifiers: ClinVar variation 456349 (VCV000456349.56), dbSNP rs35110529, ClinGen allele CA2249126.
Genomic context (GRCh38, chr3:10,032,949, plus strand): 5'-TTGAAGAAAATGACAGCATCTTTGTAAAGCTTCTTAAGATATCAGGAATTATTCTTAAAA[C>T]GGGAGAGAGTCAGAATCAACTAGGTAATATTTTAATCTAATTTTATTCTCTGGGTTTAAT-3'
Protein context (NP_001018125.1, residues 51-71): LLKISGIILK[Thr61Met]GESQNQLAVD